The following is an entry in ClinVar:

ClinVar aggregate classification (germline): Uncertain significance. Review status: criteria provided, multiple submitters, no conflicts (2 of 4 stars). 3 submissions from 3 submitters: Uncertain significance (3). Last evaluated 2024-10-26.

Conditions:
Leukocyte adhesion deficiency 1 (LAD1). Also called: LEUKOCYTE ADHESION DEFICIENCY, TYPE I; LAD 1; Lymphocyte function-associated antigen 1 immunodeficiency; LFA 1 immunodeficiency. Identifiers: Orphanet 2968, Orphanet 99842, MedGen C0398738, MONDO:0007293, OMIM 116920.

Allele frequency attached by ClinVar (database versions not stated): TOPMed 0.00012.
gnomAD v4.1: 159 of 1,577,778 alleles (0.01%); highest among the groups gnomAD compares: Middle Eastern, 0.084%; no homozygotes.

Submissions (3):

Blueprint Genetics
Classification: Uncertain significance. Last evaluated: 2024-10-26. Review status: criteria provided, single submitter. Criteria: ACMG Guidelines, 2015. Collection method: clinical testing. Allele origin: germline.

Labcorp Genetics (formerly Invitae), Labcorp
Classification: Uncertain significance for Leukocyte adhesion deficiency 1. Last evaluated: 2023-12-11. Review status: criteria provided, single submitter. Criteria: Invitae Variant Classification Sherloc (09022015). Collection method: clinical testing. Allele origin: germline.
Comment: This sequence change replaces glycine, which is neutral and non-polar, with arginine, which is basic and polar, at codon 560 of the ITGB2 protein (p.Gly560Arg). This variant is present in population databases (rs747266748, gnomAD 0.01%). This variant has not been reported in the literature in individuals affected with ITGB2-related conditions. ClinVar contains an entry for this variant (Variation ID: 340149). Advanced modeling of protein sequence and biophysical properties (such as structural, functional, and spatial information, amino acid conservation, physicochemical variation, residue mobility, and thermodynamic stability) has been performed at Invitae for this missense variant, however the output from this modeling did not meet the statistical confidence thresholds required to predict the impact of this variant on ITGB2 protein function. In summary, the available evidence is currently insufficient to determine the role of this variant in disease. Therefore, it has been classified as a Variant of Uncertain Significance.

Illumina Laboratory Services, Illumina
Classification: Uncertain significance for Leukocyte adhesion deficiency 1. Last evaluated: 2018-01-13. Review status: criteria provided, single submitter. Criteria: ICSL Variant Classification Criteria 13 December 2019. Collection method: clinical testing. Allele origin: germline.

NM_000211.5(ITGB2):c.1678G>C (p.Gly560Arg)

Gene: ITGB2 (integrin subunit beta 2; minus strand). Cytogenetic location: 21q22.3.
Variant type: single nucleotide variant.
Coding change: c.1678G>C on transcript NM_000211.5 (MANE Select); coding-DNA position 1678, G replaced by C.
Protein change: p.Gly560Arg; replaces glycine 560 with arginine.
Molecular consequence: missense variant.
Genome position (GRCh38, 1-based): chr21:44,889,475, C>G on the plus strand (G>C on the coding strand, the complement: ITGB2 is on the minus strand). VCF-style: chr21-44889475-C-G. GRCh37 (hg19) VCF-style: chr21-46309390-C-G.
Other names: c.1678G>C, p.Gly560Arg (NM_001127491.3); c.1471G>C, p.Gly491Arg (NM_001303238.2); c.1678G>C (LRG_76t1); short protein forms G560R, G491R.
Identifiers: ClinVar variation 340149 (VCV000340149.14), dbSNP rs747266748, ClinGen allele CA10062732.